The following is an entry in ClinVar:

NM_006734.4(HIVEP2):c.6859C>T (p.Pro2287Ser)

Gene: HIVEP2 (HIVEP zinc finger 2; minus strand). Cytogenetic location: 6q24.2.
Variant type: single nucleotide variant.
Coding change: c.6859C>T on transcript NM_006734.4 (MANE Select); coding-DNA position 6859, C replaced by T.
Protein change: p.Pro2287Ser; replaces proline 2287 with serine.
Molecular consequence: missense variant.
Genome position (GRCh38, 1-based): chr6:142,753,589, G>A on the plus strand (C>T on the coding strand, the complement: HIVEP2 is on the minus strand). VCF-style: chr6-142753589-G-A. GRCh37 (hg19) VCF-style: chr6-143074726-G-A.
Other names: short protein forms P2287S.
Identifiers: ClinVar variation 1937405 (VCV001937405.10), dbSNP rs999634501, ClinGen allele CA149672955.
Genomic context (GRCh38, chr6:142,753,589, plus strand): 5'-TCATCAACAGCCGAGGAGAGGAGGGAGTGCTAGGTGGACCAGATGACTGCAAAGCGTGAG[G>A]ACCTCGCTTCTCATGCTGCTTAGAAAGCACATAGGGGTCCTTGGAGAAGGACTCCCCTGA-3'
Protein context (NP_006725.3, residues 2277-2297): VLSKQHEKRG[Pro2287Ser]HALQSSGPPS

ClinVar aggregate classification (germline): Conflicting classifications of pathogenicity. Review status: criteria provided, conflicting classifications (1 of 4 stars). 3 submissions from 3 submitters: Uncertain significance (1); Likely benign (2). Last evaluated 2026-03-01.

Allele frequency attached by ClinVar (database versions not stated): gnomAD exomes below 0.00001; gnomAD 0.00001; TOPMed 0.00002.
gnomAD v4.1: 9 of 1,613,910 alleles (0.00056%); highest among the groups gnomAD compares: Admixed American, 0.0083%; no homozygotes.

Submissions (3):

CeGaT Center for Human Genetics Tuebingen
Classification: Likely benign. Last evaluated: 2026-03-01. Review status: criteria provided, single submitter. Criteria: CeGaT Center For Human Genetics Tuebingen Variant Classification Criteria Version 2. Collection method: clinical testing. Allele origin: germline. Affected: yes. Observed: 1 variant allele.
Comment: HIVEP2: BP4

Labcorp Genetics (formerly Invitae), Labcorp
Classification: Likely benign. Last evaluated: 2025-10-29. Review status: criteria provided, single submitter. Criteria: Invitae Variant Classification Sherloc (09022015). Collection method: clinical testing. Allele origin: germline.

Women's Health and Genetics/Laboratory Corporation of America, LabCorp
Classification: Uncertain significance. Last evaluated: 2025-03-31. Review status: criteria provided, single submitter. Criteria: LabCorp Variant Classification Summary - May 2015. Collection method: clinical testing. Allele origin: germline.
Comment: Variant summary: HIVEP2 c.6859C>T (p.Pro2287Ser) results in a non-conservative amino acid change in the encoded protein sequence. Three of five in-silico tools predict a benign effect of the variant on protein function. The variant allele was found at a frequency of 8e-06 in 249306 control chromosomes (gnomAD). The available data on variant occurrences in the general population are insufficient to allow any conclusion about variant significance. To our knowledge, no occurrence of c.6859C>T in individuals affected with Intellectual Disability, Autosomal Dominant 43 and no experimental evidence demonstrating its impact on protein function have been reported. ClinVar contains an entry for this variant (Variation ID: 1937405). Based on the evidence outlined above, the variant was classified as uncertain significance.